The following is an entry in ClinVar:

NM_177438.3(DICER1):c.2357A>G (p.Asn786Ser)

Gene: DICER1 (dicer 1, ribonuclease III; minus strand). Cytogenetic location: 14q32.13.
Variant type: single nucleotide variant.
Coding change: c.2357A>G on transcript NM_177438.3 (MANE Select); coding-DNA position 2357, A replaced by G.
Protein change: p.Asn786Ser; replaces asparagine 786 with serine.
Molecular consequence: missense variant.
Genome position (GRCh38, 1-based): chr14:95,108,403, T>C on the plus strand (A>G on the coding strand, the complement: DICER1 is on the minus strand). VCF-style: chr14-95108403-T-C. GRCh37 (hg19) VCF-style: chr14-95574740-T-C.
Other names: c.2357A>G, p.Asn786Ser (NM_001195573.1, NM_001271282.3, NM_001291628.2 and 1 more transcripts); short protein forms N786S.
Identifiers: ClinVar variation 821069 (VCV000821069.8), dbSNP rs1595382167, ClinGen allele CA390882218.
Genomic context (GRCh38, chr14:95,108,403, plus strand): 5'-GTCAGTATTCCAAAGCATCTTGTGGTATCTTCAGGAGGATAGAGCTTCCGCCTTCTAAAG[T>C]TGAGTTCATCAGGTAAAGGTGTAGTTAAAACCATTCCTATCACATACAGGTAACAGGGCT-3'
Protein context (NP_803187.1, residues 776-796): VLTTPLPDEL[Asn786Ser]FRRRKLYPPE

ClinVar aggregate classification (germline): Uncertain significance. Review status: criteria provided, multiple submitters, no conflicts (2 of 4 stars). 2 submissions from 2 submitters: Uncertain significance (2). Last evaluated 2024-06-21.

Conditions:
DICER1-related tumor predisposition. Also called: DICER1-related pleuropulmonary blastoma cancer predisposition syndrome; DICER1 syndrome. Identifiers: Orphanet 284343, MedGen C3839822, MONDO:0100216.
Hereditary cancer-predisposing syndrome. Also called: Hereditary Cancer Syndrome; Neoplastic Syndromes, Hereditary; Hereditary neoplastic syndrome; Tumor predisposition. Identifiers: Orphanet 140162, MedGen C0027672, MeSH D009386, MONDO:0015356.

Submissions (2):

Labcorp Genetics (formerly Invitae), Labcorp
Classification: Uncertain significance for DICER1-related tumor predisposition. Last evaluated: 2024-06-21. Review status: criteria provided, single submitter. Criteria: Invitae Variant Classification Sherloc (09022015). Collection method: clinical testing. Allele origin: germline.
Comment: This sequence change replaces asparagine, which is neutral and polar, with serine, which is neutral and polar, at codon 786 of the DICER1 protein (p.Asn786Ser). This variant is not present in population databases (gnomAD no frequency). This variant has not been reported in the literature in individuals affected with DICER1-related conditions. ClinVar contains an entry for this variant (Variation ID: 821069). Advanced modeling of protein sequence and biophysical properties (such as structural, functional, and spatial information, amino acid conservation, physicochemical variation, residue mobility, and thermodynamic stability) performed at Invitae indicates that this missense variant is expected to disrupt DICER1 protein function with a positive predictive value of 80%. In summary, the available evidence is currently insufficient to determine the role of this variant in disease. Therefore, it has been classified as a Variant of Uncertain Significance.

Ambry Genetics
Classification: Uncertain significance for Hereditary cancer-predisposing syndrome. Last evaluated: 2024-05-30. Review status: criteria provided, single submitter. Criteria: Ambry Variant Classification Scheme 2023. Collection method: clinical testing. Allele origin: germline.
Comment: The p.N786S variant (also known as c.2357A>G), located in coding exon 14 of the DICER1 gene, results from an A to G substitution at nucleotide position 2357. The asparagine at codon 786 is replaced by serine, an amino acid with highly similar properties. This amino acid position is highly conserved in available vertebrate species. In addition, this alteration is predicted to be tolerated by in silico analysis. Based on the available evidence, the clinical significance of this variant remains unclear.